The following is an entry in ClinVar:

ClinVar aggregate classification (germline): Pathogenic (1 of 4 stars; one submission).

Submission:

Labcorp Genetics (formerly Invitae), Labcorp
Classification: Pathogenic. Last evaluated: 2023-04-26. Review status: criteria provided, single submitter. Criteria: Invitae Variant Classification Sherloc (09022015). Collection method: clinical testing. Allele origin: unknown.
Comment: For these reasons, this variant has been classified as Pathogenic. This variant has not been reported in the literature in individuals affected with POLE-related conditions. This variant is a gross deletion of the genomic region encompassing exon(s) 1-45 of the POLE gene, which includes the initiator codon. This deletion extends beyond the assayed region for this gene and therefore may encompass additional genes. It is expected to result in an absent or disrupted protein product. Loss-of-function variants in POLE are known to be pathogenic (PMID: 23230001, 25948378, 30503519).

Literature cited by the submitters: PubMed 23230001; PubMed 25948378; PubMed 30503519.

NC_000012.11:g.(?_133208881)_(133263901_?)del

Gene: POLE (DNA polymerase epsilon, catalytic subunit; minus strand). Cytogenetic location: 12q24.33.
Variant type: Deletion.
Identifiers: ClinVar variation 3244399 (VCV003244399.1).